The following is an entry in ClinVar:

ClinVar aggregate classification (germline): Likely pathogenic (1 of 4 stars; one submission).

Conditions:
TPM2-related disorder. Also called: TPM2-related condition; TPM2-related disorders.

Submission:

PreventionGenetics, part of Exact Sciences
Classification: Likely pathogenic for TPM2-related condition. Last evaluated: 2023-05-31. Review status: criteria provided, single submitter. Criteria: ACMG Guidelines, 2015. Collection method: clinical testing. Allele origin: germline.
Comment: The TPM2 c.836dupA variant is predicted to result in a frameshift and premature protein termination (p.Asn279Lysfs*2). This variant occurs in the last exon of the TPM2 gene and likely does not result in nonsense-mediated decay and only shortens the protein by five amino acids. To our knowledge, this variant has not been reported in the literature or public databases, indicating it is rare. We interpret this variant as likely pathogenic.

NM_003289.4(TPM2):c.836dup (p.Asn279fs)

Gene: TPM2 (tropomyosin 2; minus strand). Cytogenetic location: 9p13.3.
Variant type: Duplication.
Coding change: c.836dup on transcript NM_003289.4 (MANE Select); coding-DNA position 836, one base duplicated (A; older notation c.836dupA).
Protein change: p.Asn279fs; shifts the reading frame from asparagine 279.
Molecular consequence: frameshift variant. On other transcripts: intron variant (2).
Genome position (GRCh38, 1-based): chr9:35,683,178, T duplicated on the plus strand (A on the coding strand, the reverse complement: TPM2 is on the minus strand); the first of 2 consecutive T bases (chr9:35,683,178-35,683,179); duplicating either gives the same sequence. VCF-style (leftmost placement, unchanged base first): chr9-35683177-A-AT. GRCh37 (hg19) VCF-style: chr9-35683174-A-AT.
Other names: c.836dupA (NM_003289.3); c.836dup, p.Asn279fs (NM_001301227.2); c.773-1015dup (NM_213674.1, NM_001301226.2); short protein forms N279fs.
Identifiers: ClinVar variation 2634361 (VCV002634361.1), dbSNP rs2490670454, ClinGen allele CA2695201576.